The following is an entry in ClinVar:

NM_005045.4(RELN):c.286A>G (p.Thr96Ala)

Gene: RELN (reelin; minus strand). Cytogenetic location: 7q22.1.
Variant type: single nucleotide variant.
Coding change: c.286A>G on transcript NM_005045.4 (MANE Select); coding-DNA position 286, A replaced by G.
Protein change: p.Thr96Ala; replaces threonine 96 with alanine.
Molecular consequence: missense variant.
Genome position (GRCh38, 1-based): chr7:103,917,126, T>C on the plus strand (A>G on the coding strand, the complement: RELN is on the minus strand). VCF-style: chr7-103917126-T-C. GRCh37 (hg19) VCF-style: chr7-103557573-T-C.
Other names: c.286A>G (NM_005045.3); c.286A>G, p.Thr96Ala (NM_173054.3); short protein forms T96A.
Identifiers: ClinVar variation 1020112 (VCV001020112.10), dbSNP rs564088219, ClinGen allele CA164029205.

ClinVar aggregate classification (germline): Uncertain significance. Review status: criteria provided, multiple submitters, no conflicts (2 of 4 stars). 2 submissions from 2 submitters: Uncertain significance (2). Last evaluated 2026-02-10.

Conditions:
Norman-Roberts syndrome (LIS2). Also called: Lissencephaly 2 (Norman-Roberts type). Identifiers: Orphanet 89844, MedGen C0796089, MONDO:0009760, OMIM 257320.
Familial temporal lobe epilepsy 7. Identifiers: Orphanet 101046, MedGen C4225327, MONDO:0014639, OMIM 616436.

Allele frequency attached by ClinVar (database versions not stated): gnomAD exomes below 0.00001; TOPMed 0.00001; gnomAD 0.00002 and 0.00004; 1000 Genomes Project 30x 0.00016; 1000 Genomes Project 0.00020.
gnomAD v4.1: 12 of 1,613,578 alleles (0.00074%); highest among the groups gnomAD compares: East Asian, 0.0022%; no homozygotes.

Submissions (2):

GeneDx
Classification: Uncertain significance. Last evaluated: 2026-02-10. Review status: criteria provided, single submitter. Criteria: GeneDx Variant Classification Process June 2021. Collection method: clinical testing. Allele origin: germline.
Comment: Not observed at significant frequency in large population cohorts (gnomAD); In silico analysis suggests that this missense variant does not alter protein structure/function; Has not been previously published as pathogenic or benign to our knowledge

Labcorp Genetics (formerly Invitae), Labcorp
Classification: Uncertain significance for Familial temporal lobe epilepsy 7; Norman-Roberts syndrome. Last evaluated: 2025-11-24. Review status: criteria provided, single submitter. Criteria: Invitae Variant Classification Sherloc (09022015). Collection method: clinical testing. Allele origin: germline.
Comment: This sequence change replaces threonine, which is neutral and polar, with alanine, which is neutral and non-polar, at codon 96 of the RELN protein (p.Thr96Ala). This variant is not present in population databases (gnomAD no frequency). This variant has not been reported in the literature in individuals affected with RELN-related conditions. ClinVar contains an entry for this variant (Variation ID: 1020112). Invitae Evidence Modeling of protein sequence and biophysical properties (such as structural, functional, and spatial information, amino acid conservation, physicochemical variation, residue mobility, and thermodynamic stability) indicates that this missense variant is not expected to disrupt RELN protein function with a negative predictive value of 80%. In summary, the available evidence is currently insufficient to determine the role of this variant in disease. Therefore, it has been classified as a Variant of Uncertain Significance.